The following is an entry in ClinVar:

NM_005228.5(EGFR):c.55T>A (p.Cys19Ser)

Gene: EGFR (epidermal growth factor receptor; plus strand). Cytogenetic location: 7p11.2.
Variant type: single nucleotide variant.
Coding change: c.55T>A on transcript NM_005228.5 (MANE Select); coding-DNA position 55, T replaced by A.
Protein change: p.Cys19Ser; replaces cysteine 19 with serine.
Molecular consequence: missense variant.
Genome position (GRCh38, 1-based): chr7:55,019,332, T>A. VCF-style: chr7-55019332-T-A. GRCh37 (hg19) VCF-style: chr7-55087025-T-A.
Other names: c.55T>A, p.Cys19Ser (NM_001346897.2, NM_001346898.2, NM_001346899.2 and 4 more transcripts); short protein forms C19S.
Identifiers: ClinVar variation 4722837 (VCV004722837.1).
Genomic context (GRCh38, chr7:55,019,332, plus strand): 5'-GCAGCGATGCGACCCTCCGGGACGGCCGGGGCAGCGCTCCTGGCGCTGCTGGCTGCGCTC[T>A]GCCCGGCGAGTCGGGCTCTGGAGGAAAAGAAAGGTAAGGGCGTGTCTCGCCGGCTCCCGC-3'
Protein context (NP_005219.2, residues 9-29): AALLALLAAL[Cys19Ser]PASRALEEKK

ClinVar aggregate classification (germline): Uncertain significance (1 of 4 stars; one submission).

Conditions:
EGFR-related lung cancer (EGFR). Identifiers: MedGen CN130014.

Submission:

Labcorp Genetics (formerly Invitae), Labcorp
Classification: Uncertain significance for EGFR-related lung cancer. Last evaluated: 2025-07-08. Review status: criteria provided, single submitter. Criteria: Invitae Variant Classification Sherloc (09022015). Collection method: clinical testing. Allele origin: germline.
Comment: This sequence change replaces cysteine, which is neutral and slightly polar, with serine, which is neutral and polar, at codon 19 of the EGFR protein (p.Cys19Ser). This variant is not present in population databases (gnomAD no frequency). This variant has not been reported in the literature in individuals affected with EGFR-related conditions. An algorithm developed to predict the effect of missense changes on protein structure and function (PolyPhen-2) suggests that this variant is likely to be tolerated. In summary, the available evidence is currently insufficient to determine the role of this variant in disease. Therefore, it has been classified as a Variant of Uncertain Significance.